The following is an entry in ClinVar:

NM_001421.4(ELF4):c.985C>T (p.Arg329Ter)

Gene: ELF4 (E74 like ETS transcription factor 4; minus strand). Cytogenetic location: Xq26.1.
Variant type: single nucleotide variant.
Coding change: c.985C>T on transcript NM_001421.4 (MANE Select); coding-DNA position 985, C replaced by T.
Protein change: p.Arg329Ter; replaces arginine 329 with a stop codon.
Molecular consequence: nonsense.
Genome position (GRCh38, 1-based): chrX:130,069,502, G>A on the plus strand (C>T on the coding strand, the complement: ELF4 is on the minus strand). VCF-style: chrX-130069502-G-A. GRCh37 (hg19) VCF-style: chrX-129203477-G-A.
Other names: NC_000023.10:g.129203477G>A; c.985C>T, p.Arg329Ter (NM_001127197.2, NM_001440765.1, NM_001440766.1); short protein forms R329*.
Identifiers: ClinVar variation 4470621 (VCV004470621.7).

ClinVar aggregate classification (germline): Pathogenic (1 of 4 stars; one submission).

gnomAD v4.1: 2 of 1,211,349 alleles (0.00017%); highest among the groups gnomAD compares: Non-Finnish European, 0.00022%; no homozygotes.

Submissions (3):

CeGaT Center for Human Genetics Tuebingen
Classification: Pathogenic. Last evaluated: 2026-03-01. Review status: criteria provided, single submitter. Criteria: CeGaT Center For Human Genetics Tuebingen Variant Classification Criteria Version 2. Collection method: clinical testing. Allele origin: germline. Affected: yes. Observed: 2 variant alleles.
Comment: ELF4: PVS1, PM2

Dr. Peter K. Rogan Lab, Western University
No classification provided (evidence only). Condition: Thyroid cancer, nonmedullary, 1. Review status: no classification provided. Collection method: in vitro. Allele origin: not applicable. Functional consequence: retained intron. Not counted in ClinVar's aggregate classification.

Dr. Peter K. Rogan Lab, Western University
No classification provided (evidence only). Condition: Thyroid cancer, nonmedullary, 1. Review status: no classification provided. Collection method: in vitro. Allele origin: not applicable. Functional consequence: retained intron. Not counted in ClinVar's aggregate classification.